The following is an entry in ClinVar:

ClinVar aggregate classification (germline): Uncertain significance (1 of 4 stars; one submission).

Submission:

Ambry Genetics
Classification: Uncertain significance. Last evaluated: 2020-12-01. Review status: criteria provided, single submitter. Criteria: Ambry Variant Classification Scheme 2023. Collection method: clinical testing. Allele origin: germline.
Comment: The p.L851Q variant (also known as c.2552T>A), located in coding exon 23 of the IKBKAP gene, results from a T to A substitution at nucleotide position 2552. The leucine at codon 851 is replaced by glutamine, an amino acid with dissimilar properties. This amino acid position is highly conserved in available vertebrate species. In addition, this alteration is predicted to be deleterious by in silico analysis. Since supporting evidence is limited at this time, the clinical significance of this alteration remains unclear.

NM_003640.5(ELP1):c.2552T>A (p.Leu851Gln)

Gene: ELP1 (elongator acetyltransferase complex subunit 1; minus strand). Cytogenetic location: 9q31.3.
Variant type: single nucleotide variant.
Coding change: c.2552T>A on transcript NM_003640.5 (MANE Select); coding-DNA position 2552, T replaced by A.
Protein change: p.Leu851Gln; replaces leucine 851 with glutamine.
Molecular consequence: missense variant.
Genome position (GRCh38, 1-based): chr9:108,896,988, A>T on the plus strand (T>A on the coding strand, the complement: ELP1 is on the minus strand). VCF-style: chr9-108896988-A-T. GRCh37 (hg19) VCF-style: chr9-111659268-A-T.
Other names: c.2210T>A, p.Leu737Gln (NM_001318360.2); c.1505T>A, p.Leu502Gln (NM_001330749.2); short protein forms L502Q, L737Q, L851Q.
Identifiers: ClinVar variation 1800201 (VCV001800201.2), dbSNP rs2537890407, ClinGen allele CA374420466.